The following is an entry in ClinVar:

ClinVar aggregate classification (germline): Benign. Review status: criteria provided, multiple submitters, no conflicts (2 of 4 stars). 2 submissions from 2 submitters: Benign (2). Last evaluated 2018-01-13.

Conditions:
Disorders of Intracellular Cobalamin Metabolism. Identifiers: MedGen CN043592.

Allele frequency attached by ClinVar (database versions not stated): gnomAD exomes 0.01569; gnomAD 0.05358 and 0.05397; TOPMed 0.05745; 1000 Genomes Project 30x 0.07214; 1000 Genomes Project 0.07348.
gnomAD v4.1: 8,161 of 152,696 alleles (5.3%); highest among the groups gnomAD compares: African/African-American, 13%; 386 homozygotes.

Submissions (2):

Illumina Laboratory Services, Illumina
Classification: Benign for Disorders of Intracellular Cobalamin Metabolism. Last evaluated: 2018-01-13. Review status: criteria provided, single submitter. Criteria: ICSL Variant Classification Criteria 13 December 2019. Collection method: clinical testing. Allele origin: germline.
Comment: This variant was observed in the ICSL laboratory as part of a predisposition screen in an ostensibly healthy population. It had not been previously curated by ICSL or reported in the Human Gene Mutation Database (HGMD: prior to June 1st, 2018), and was therefore a candidate for classification through an automated scoring system. Utilizing variant allele frequency, disease prevalence and penetrance estimates, and inheritance mode, an automated score was calculated to assess if this variant is too frequent to cause the disease. Based on the score and internal cut-off values, a variant classified as benign is not then subjected to further curation. The score for this variant resulted in a classification of benign for this disease.

Breakthrough Genomics
Classification: Benign. Review status: criteria provided, single submitter. Criteria: ACMG Guidelines, 2015. Collection method: not provided. Allele origin: germline. Inheritance: Autosomal recessive inheritance. Affected: yes.

NM_000254.3(MTR):c.*3601G>A

Gene: MTR (5-methyltetrahydrofolate-homocysteine methyltransferase; plus strand). Cytogenetic location: 1q43.
Variant type: single nucleotide variant.
Coding change: c.*3601G>A on transcript NM_000254.3 (MANE Select); 3601 bases downstream of the stop codon, G replaced by A.
Molecular consequence: 3 prime UTR variant.
Genome position (GRCh38, 1-based): chr1:236,901,245, G>A. VCF-style: chr1-236901245-G-A. GRCh37 (hg19) VCF-style: chr1-237064545-G-A.
Other names: c.*3601G>A (NM_001291939.1, NM_001291940.2).
Identifiers: ClinVar variation 296653 (VCV000296653.6), dbSNP rs59514993, ClinGen allele CA10610680.
Genomic context (GRCh38, chr1:236,901,245, plus strand): 5'-AAGAGGCCTGGGAATGGGATTGCTGAGGGCCCTTCTCACAGTGAGCCCCTCAAGAGCAGC[G>A]TCAGGGGATTGTGGGGACTGTTGGCACACAGCTGGCTTTGCTAGGTTGAAGACAATGGGA-3'